The following is an entry in ClinVar:

ClinVar aggregate classification (germline): Uncertain significance (1 of 4 stars; one submission).

Submission:

CeGaT Center for Human Genetics Tuebingen
Classification: Uncertain significance. Last evaluated: 2023-03-01. Review status: criteria provided, single submitter. Criteria: CeGaT Center For Human Genetics Tuebingen Variant Classification Criteria Version 2. Collection method: clinical testing. Allele origin: germline. Affected: yes. Observed: 1 variant allele.
Comment: EP300: PM2

NM_001429.4(EP300):c.1157A>G (p.Lys386Arg)

Gene: EP300 (EP300 lysine acetyltransferase; plus strand). Cytogenetic location: 22q13.2.
Variant type: single nucleotide variant.
Coding change: c.1157A>G on transcript NM_001429.4 (MANE Select); coding-DNA position 1157, A replaced by G.
Protein change: p.Lys386Arg; replaces lysine 386 with arginine.
Molecular consequence: missense variant.
Genome position (GRCh38, 1-based): chr22:41,127,737, A>G. VCF-style: chr22-41127737-A-G. GRCh37 (hg19) VCF-style: chr22-41523741-A-G.
Other names: c.1157A>G, p.Lys386Arg (NM_001362843.2); short protein forms K386R.
Identifiers: ClinVar variation 2653195 (VCV002653195.24), dbSNP rs779045912, ClinGen allele CA324517902.